The following is an entry in ClinVar:

NM_000101.4(CYBA):c.226G>A (p.Val76Met)

Gene: CYBA (cytochrome b-245 alpha chain; minus strand). Cytogenetic location: 16q24.2.
Variant type: single nucleotide variant.
Coding change: c.226G>A on transcript NM_000101.4 (MANE Select); coding-DNA position 226, G replaced by A.
Protein change: p.Val76Met; replaces valine 76 with methionine.
Molecular consequence: missense variant.
Genome position (GRCh38, 1-based): chr16:88,646,816, C>T on the plus strand (G>A on the coding strand, the complement: CYBA is on the minus strand). VCF-style: chr16-88646816-C-T. GRCh37 (hg19) VCF-style: chr16-88713224-C-T.
Other names: c.226G>A (NM_000101.2); short protein forms V76M.
Identifiers: ClinVar variation 733197 (VCV000733197.26), dbSNP rs149344911, ClinGen allele CA8228347.

ClinVar aggregate classification (germline): Conflicting classifications of pathogenicity. Review status: criteria provided, conflicting classifications (1 of 4 stars). 8 submissions from 8 submitters: Uncertain significance (3); Benign (1); Likely benign (3). 1 of the submissions does not count toward it. Last evaluated 2026-01-29.

Conditions:
CYBA-related disorder. Also called: CYBA-related condition.
Granulomatous disease, chronic, autosomal recessive, cytochrome b-negative. Also called: GRANULOMATOUS DISEASE, CHRONIC, AUTOSOMAL RECESSIVE, 4; CGD DUE TO DEFICIENCY OF THE ALPHA SUBUNIT OF CYTOCHROME b; CGD, AUTOSOMAL RECESSIVE CYTOCHROME b-NEGATIVE; CYBA DEFICIENCY; Chronic granulomatous disease, autosomal, due to deficiency of CYBA. Identifiers: Orphanet 379, MedGen C1856255, MONDO:0009308, OMIM 233690.
Chronic granulomatous disease. Identifiers: Orphanet 379, MedGen C0018203, MONDO:0018305.

Allele frequency attached by ClinVar (database versions not stated): gnomAD exomes 0.00026 and 0.00069; ExAC 0.00075; 1000 Genomes Project 30x 0.00141; 1000 Genomes Project 0.00180; ESP Exome Variant Server 0.00215; gnomAD 0.00233 and 0.00250; TOPMed 0.00283.

Submissions (8):

Women's Health and Genetics/Laboratory Corporation of America, LabCorp
Classification: Likely benign. Last evaluated: 2026-01-29. Review status: criteria provided, single submitter. Criteria: LabCorp Variant Classification Summary - May 2015. Collection method: clinical testing. Allele origin: germline.
Comment: Variant summary: CYBA c.226G>A (p.Val76Met) results in a conservative amino acid change in the encoded protein sequence. Algorithms developed to predict the effect of missense changes on protein structure and function are either unavailable or do not agree on the potential impact of this missense change. The variant allele was found at a frequency of 0.00069 in 250910 control chromosomes, predominantly at a frequency of 0.0078 within the African or African-American subpopulation in the gnomAD database. The observed variant frequency within African or African-American control individuals in the gnomAD database exceeds the estimated maximal expected allele frequency for disease-causing variants in CYBA. To our knowledge, no occurrence of c.226G>A in individuals affected with CYBA-related conditions and no experimental evidence demonstrating its impact on protein function have been reported. ClinVar contains an entry for this variant (Variation ID: 733197). Based on the evidence outlined above, the variant was classified as likely benign.

Labcorp Genetics (formerly Invitae), Labcorp
Classification: Likely benign for Granulomatous disease, chronic, autosomal recessive, cytochrome b-negative. Last evaluated: 2026-01-28. Review status: criteria provided, single submitter. Criteria: Invitae Variant Classification Sherloc (09022015). Collection method: clinical testing. Allele origin: germline.

CeGaT Center for Human Genetics Tuebingen
Classification: Likely benign. Last evaluated: 2025-09-01. Review status: criteria provided, single submitter. Criteria: CeGaT Center For Human Genetics Tuebingen Variant Classification Criteria Version 2. Collection method: clinical testing. Allele origin: germline. Affected: yes. Observed: 1 variant allele.
Comment: CYBA: BS2

PreventionGenetics, part of Exact Sciences
Classification: Benign for CYBA-related condition. Last evaluated: 2024-11-25. Review status: criteria provided, single submitter. Criteria: ACMG Guidelines, 2015. Collection method: clinical testing. Allele origin: germline.
Comment: This variant is classified as benign based on ACMG/AMP sequence variant interpretation guidelines (Richards et al. 2015 PMID: 25741868, with internal and published modifications).

Blueprint Genetics
Classification: Uncertain significance. Last evaluated: 2024-10-23. Review status: criteria provided, single submitter. Criteria: ACMG Guidelines, 2015. Collection method: clinical testing. Allele origin: germline.

GeneDx
Classification: Uncertain significance. Last evaluated: 2024-05-30. Review status: criteria provided, single submitter. Criteria: GeneDx Variant Classification Process June 2021. Collection method: clinical testing. Allele origin: germline. Affected: yes.
Comment: Reported in published literature in association with inflammatory bowel disease in an individual who also harbored variants other genes (PMID: 29454792); In silico analysis supports that this missense variant has a deleterious effect on protein structure/function; This variant is associated with the following publications: (PMID: 29454792)

Center for Genomics, Ann and Robert H. Lurie Children's Hospital of Chicago
Classification: Uncertain significance for Granulomatous disease, chronic, autosomal recessive, cytochrome b-negative. Last evaluated: 2021-03-30. Review status: criteria provided, single submitter. Criteria: ACMG Guidelines, 2015. Collection method: clinical testing. Allele origin: germline.
Comment: CYBA NM_000101.3 exon 4 p.Val76Met (c.226G>A): This variant has been reported in the literature in 1 individual with inflammatory bowel disease (Denson 2018 PMID:29454792) and is present in 0.8% (205/24936) of African alleles in the Genome Aggregation Database. Evolutionary conservation for this variant is limited or unavailable; computational predictive tools for this variant suggest that this variant may impact the protein. In summary, data on this variant is insufficient for disease classification. Therefore, the clinical significance of this variant is uncertain.

Natera, Inc.
Classification: Likely benign for Chronic granulomatous disease. Last evaluated: 2020-10-13. Review status: no assertion criteria provided. Collection method: clinical testing. Allele origin: germline. Not counted in ClinVar's aggregate classification.